The following is an entry in ClinVar:

NM_002499.4(NEO1):c.1015+6T>C

Gene: NEO1 (neogenin 1; plus strand). Cytogenetic location: 15q24.1.
Variant type: single nucleotide variant.
Coding change: c.1015+6T>C on transcript NM_002499.4 (MANE Select); 6 bases into the intron after coding-DNA position 1015, T replaced by C.
Molecular consequence: intron variant.
Genome position (GRCh38, 1-based): chr15:73,136,033, T>C. VCF-style: chr15-73136033-T-C. GRCh37 (hg19) VCF-style: chr15-73428374-T-C.
Other names: c.1015+6T>C (NM_001172624.2, NM_001419531.1, NM_001172623.2).
Identifiers: ClinVar variation 3052571 (VCV003052571.2), dbSNP rs72741418, ClinGen allele CA7647770.

ClinVar aggregate classification (germline): Likely benign (0 of 4 stars; one submission).

Conditions:
NEO1-related disorder. Also called: NEO1-related condition.

Allele frequency attached by ClinVar (database versions not stated): TOPMed 0.00003; gnomAD 0.00004; ExAC 0.00008; ESP Exome Variant Server 0.00008; gnomAD exomes 0.00009; 1000 Genomes Project 0.00020; 1000 Genomes Project 30x 0.00031.
gnomAD v4.1: 127 of 1,590,464 alleles (0.008%); highest among the groups gnomAD compares: Non-Finnish European, 0.0098%; no homozygotes.

Submission:

PreventionGenetics, part of Exact Sciences
Classification: Likely benign for NEO1-related condition. Last evaluated: 2019-08-23. Review status: no assertion criteria provided. Collection method: clinical testing. Allele origin: germline.
Comment: This variant is classified as likely benign based on ACMG/AMP sequence variant interpretation guidelines (Richards et al. 2015 PMID: 25741868, with internal and published modifications).